The following is an entry in ClinVar:

NM_020964.3(EPG5):c.6785G>A (p.Arg2262His)

Gene: EPG5 (ectopic P-granules 5 autophagy tethering factor; minus strand). Cytogenetic location: 18q12.3.
Variant type: single nucleotide variant.
Coding change: c.6785G>A on transcript NM_020964.3 (MANE Select); coding-DNA position 6785, G replaced by A.
Protein change: p.Arg2262His; replaces arginine 2262 with histidine.
Molecular consequence: missense variant.
Genome position (GRCh38, 1-based): chr18:45,860,328, C>T on the plus strand (G>A on the coding strand, the complement: EPG5 is on the minus strand). VCF-style: chr18-45860328-C-T. GRCh37 (hg19) VCF-style: chr18-43440293-C-T.
Other names: c.6785G>A (NM_020964.2); short protein forms R2262H.
Identifiers: ClinVar variation 1011503 (VCV001011503.6), dbSNP rs375960377, ClinGen allele CA8948148.

ClinVar aggregate classification (germline): Uncertain significance. Review status: criteria provided, multiple submitters, no conflicts (2 of 4 stars). 2 submissions from 2 submitters: Uncertain significance (2). Last evaluated 2025-08-14.

Conditions:
Inborn genetic diseases. Identifiers: MedGen C0950123, MeSH D030342.
Vici syndrome (VICIS). Identifiers: Orphanet 1493, MedGen C1855772, MONDO:0009452, OMIM 242840.

Allele frequency attached by ClinVar (database versions not stated): gnomAD exomes 0.00003; TOPMed 0.00004; ExAC 0.00005; ESP Exome Variant Server 0.00016.
gnomAD v4.1: 97 of 1,614,102 alleles (0.006%); highest among the groups gnomAD compares: Non-Finnish European, 0.0079%; no homozygotes.

Submissions (2):

Ambry Genetics
Classification: Uncertain significance for Inborn genetic diseases. Last evaluated: 2025-08-14. Review status: criteria provided, single submitter. Criteria: Ambry Variant Classification Scheme 2023. Collection method: clinical testing. Allele origin: germline.

Labcorp Genetics (formerly Invitae), Labcorp
Classification: Uncertain significance for Vici syndrome. Last evaluated: 2022-07-06. Review status: criteria provided, single submitter. Criteria: Invitae Variant Classification Sherloc (09022015). Collection method: clinical testing. Allele origin: germline.
Comment: This sequence change replaces arginine, which is basic and polar, with histidine, which is basic and polar, at codon 2262 of the EPG5 protein (p.Arg2262His). This variant is present in population databases (rs375960377, gnomAD 0.006%). This variant has not been reported in the literature in individuals affected with EPG5-related conditions. ClinVar contains an entry for this variant (Variation ID: 1011503). Algorithms developed to predict the effect of missense changes on protein structure and function are either unavailable or do not agree on the potential impact of this missense change (SIFT: "Deleterious"; PolyPhen-2: "Benign"; Align-GVGD: "Class C0"). In summary, the available evidence is currently insufficient to determine the role of this variant in disease. Therefore, it has been classified as a Variant of Uncertain Significance.